The following is an entry in ClinVar:

NM_000091.5(COL4A3):c.3807C>A (p.Asp1269Glu)

Genes: COL4A3 (collagen type IV alpha 3 chain; plus strand), MFF-DT (MFF divergent transcript; minus strand). Cytogenetic location: 2q36.3.
Variant type: single nucleotide variant.
Coding change: c.3807C>A on transcript NM_000091.5 (MANE Select); coding-DNA position 3807, C replaced by A.
Protein change: p.Asp1269Glu; replaces aspartic acid 1269 with glutamic acid.
Molecular consequence: missense variant.
Genome position (GRCh38, 1-based): chr2:227,298,737, C>A. VCF-style: chr2-227298737-C-A. GRCh37 (hg19) VCF-style: chr2-228163453-C-A.
Other names: short protein forms D1269E.
Identifiers: ClinVar variation 254995 (VCV000254995.31), dbSNP rs57611801, ClinGen allele CA2147356.

ClinVar aggregate classification (germline): Benign. Review status: criteria provided, multiple submitters, no conflicts (2 of 4 stars). 16 submissions from 16 submitters: Benign (12). 4 of the submissions do not count toward it. Last evaluated 2026-02-04.

Conditions:
Atypical hemolytic-uremic syndrome. Identifiers: Orphanet 2134, MedGen C2931788, MONDO:0016244.
Alport syndrome. Also called: Hemorrhagic familial nephritis; Hemorrhagic hereditary nephritis; Congenital hereditary hematuria. Identifiers: Orphanet 63, MedGen C1567741, MONDO:0018965.
Autosomal recessive Alport syndrome (ATS2). Also called: ALPORT SYNDROME 2, AUTOSOMAL RECESSIVE; Alport syndrome type 2; COL4A4 Alport Syndrome and Thin Basement Membrane Nephropathy; COL4A3-Related Nephropathy. Identifiers: Orphanet 63, Orphanet 88919, MedGen C4746745, MONDO:0008762, OMIM 203780.

Allele frequency attached by ClinVar (database versions not stated): 1000 Genomes Project 0.03874; 1000 Genomes Project 30x 0.04107; ExAC 0.04414; gnomAD exomes 0.04493; ESP Exome Variant Server 0.04987; TOPMed 0.05583; gnomAD 0.05760 and 0.06070.
gnomAD v4.1: 62,843 of 1,613,962 alleles (3.9%); highest among the groups gnomAD compares: African/African-American, 9.7%; 1,671 homozygotes.

Submissions (16):

Labcorp Genetics (formerly Invitae), Labcorp
Classification: Benign. Last evaluated: 2026-02-04. Review status: criteria provided, single submitter. Criteria: Invitae Variant Classification Sherloc (09022015). Collection method: clinical testing. Allele origin: germline.

Blueprint Genetics
Classification: Benign. Last evaluated: 2024-11-26. Review status: criteria provided, single submitter. Criteria: ACMG Guidelines, 2015. Collection method: clinical testing. Allele origin: germline.

ARUP Laboratories, Molecular Genetics and Genomics, ARUP Laboratories
Classification: Benign. Last evaluated: 2024-10-23. Review status: criteria provided, single submitter. Criteria: ARUP Molecular Germline Variant Investigation Process 2024. Collection method: clinical testing. Allele origin: germline.

Mayo Clinic Laboratories, Mayo Clinic
Classification: Benign. Last evaluated: 2023-11-20. Review status: criteria provided, single submitter. Criteria: ACMG Guidelines, 2015. Collection method: clinical testing. Allele origin: germline. Observed: 28 variant alleles.

Genome-Nilou Lab
Classification: Benign for Autosomal recessive Alport syndrome. Last evaluated: 2021-06-10. Review status: criteria provided, single submitter. Criteria: ACMG Guidelines, 2015. Collection method: clinical testing. Allele origin: germline. Affected: no.

Illumina Laboratory Services, Illumina
Classification: Benign for Alport syndrome. Last evaluated: 2018-01-13. Review status: criteria provided, single submitter. Criteria: ICSL Variant Classification Criteria 13 December 2019. Collection method: clinical testing. Allele origin: germline.
Comment: This variant was observed in the ICSL laboratory as part of a predisposition screen in an ostensibly healthy population. It had not been previously curated by ICSL or reported in the Human Gene Mutation Database (HGMD: prior to June 1st, 2018), and was therefore a candidate for classification through an automated scoring system. Utilizing variant allele frequency, disease prevalence and penetrance estimates, and inheritance mode, an automated score was calculated to assess if this variant is too frequent to cause the disease. Based on the score and internal cut-off values, a variant classified as benign is not then subjected to further curation. The score for this variant resulted in a classification of benign for this disease.

Genome Diagnostics Laboratory, The Hospital for Sick Children
Classification: Benign for Atypical hemolytic-uremic syndrome. Last evaluated: 2017-09-01. Review status: criteria provided, single submitter. Criteria: ACMG Guidelines, 2015. Collection method: clinical testing. Allele origin: germline.

Athena Diagnostics
Classification: Benign. Last evaluated: 2017-08-22. Review status: criteria provided, single submitter. Criteria: Athena Diagnostics Criteria. Collection method: clinical testing. Allele origin: germline.

GeneDx
Classification: Benign. Last evaluated: 2017-05-09. Review status: criteria provided, single submitter. Criteria: GeneDx Variant Classification (06012015). Collection method: clinical testing. Allele origin: germline. Affected: yes.
Comment: This variant is considered likely benign or benign based on one or more of the following criteria: it is a conservative change, it occurs at a poorly conserved position in the protein, it is predicted to be benign by multiple in silico algorithms, and/or has population frequency not consistent with disease.

Laboratory for Molecular Medicine, Mass General Brigham Personalized Medicine
Classification: Benign. Last evaluated: 2016-03-21. Review status: criteria provided, single submitter. Criteria: LMM Criteria. Collection method: clinical testing. Allele origin: germline. Observed: 27 variant alleles.
Comment: p.Asp1269Glu in exon 43 of COL4A3: This variant is not expected to have clinical significance because it has been identified in 10.45% (691/6614) of Finnish chr omosomes by the Exome Aggregation Consortium (ExAC, rg; dbSNP rs57611801).

Breakthrough Genomics
Classification: Benign. Review status: criteria provided, single submitter. Criteria: ACMG Guidelines, 2015. Collection method: not provided. Allele origin: germline. Inheritance: Autosomal recessive inheritance. Affected: yes.

PreventionGenetics, part of Exact Sciences
Classification: Benign. Review status: criteria provided, single submitter. Criteria: ACMG Guidelines, 2015. Collection method: clinical testing. Allele origin: germline.

Natera, Inc.
Classification: Benign for Alport syndrome. Last evaluated: 2020-09-16. Review status: no assertion criteria provided. Collection method: clinical testing. Allele origin: germline. Not counted in ClinVar's aggregate classification.

Genome Diagnostics Laboratory, University Medical Center Utrecht
Classification: Benign. Review status: no assertion criteria provided. Collection method: clinical testing. Allele origin: germline. Affected: yes. Study: VKGL Data-share Consensus. Not counted in ClinVar's aggregate classification.

Joint Genome Diagnostic Labs from Nijmegen and Maastricht, Radboudumc and MUMC+
Classification: Benign. Review status: no assertion criteria provided. Collection method: clinical testing. Allele origin: germline. Affected: yes. Study: VKGL Data-share Consensus. Not counted in ClinVar's aggregate classification.

Laboratory of Diagnostic Genome Analysis, Leiden University Medical Center (LUMC)
Classification: Likely benign. Review status: no assertion criteria provided. Collection method: clinical testing. Allele origin: germline. Affected: yes. Study: VKGL Data-share Consensus. Not counted in ClinVar's aggregate classification.